The following is an entry in ClinVar:

ClinVar aggregate classification (germline): Uncertain significance (1 of 4 stars; one submission).

Submission:

GeneDx
Classification: Uncertain significance. Last evaluated: 2022-12-19. Review status: criteria provided, single submitter. Criteria: GeneDx Variant Classification Process June 2021. Collection method: clinical testing. Allele origin: germline. Affected: yes.
Comment: Not observed at significant frequency in large population cohorts (gnomAD); In silico analysis, which includes protein predictors and evolutionary conservation, supports a deleterious effect; Has not been previously published as pathogenic or benign to our knowledge

NM_001035.3(RYR2):c.3133T>C (p.Ser1045Pro)

Gene: RYR2 (ryanodine receptor 2; plus strand). Cytogenetic location: 1q43.
Variant type: single nucleotide variant.
Coding change: c.3133T>C on transcript NM_001035.3 (MANE Select); coding-DNA position 3133, T replaced by C.
Protein change: p.Ser1045Pro; replaces serine 1045 with proline.
Molecular consequence: missense variant.
Genome position (GRCh38, 1-based): chr1:237,550,610, T>C. VCF-style: chr1-237550610-T-C. GRCh37 (hg19) VCF-style: chr1-237713910-T-C.
Other names: short protein forms S1045P.
Identifiers: ClinVar variation 1320821 (VCV001320821.2), dbSNP rs2148112772, ClinGen allele CA345394830.